The following is an entry in ClinVar:

ClinVar aggregate classification (germline): Uncertain significance (1 of 4 stars; one submission).

Submission:

CeGaT Center for Human Genetics Tuebingen
Classification: Uncertain significance. Last evaluated: 2024-03-01. Review status: criteria provided, single submitter. Criteria: CeGaT Center For Human Genetics Tuebingen Variant Classification Criteria Version 2. Collection method: clinical testing. Allele origin: germline. Affected: yes. Observed: 2 variant alleles.
Comment: QRSL1: PM2, PM3, PP4:Moderate, BP4

NM_018292.5(QRSL1):c.1097G>C (p.Arg366Pro)

Gene: QRSL1 (glutaminyl-tRNA amidotransferase subunit QRSL1; plus strand). Cytogenetic location: 6q21.
Variant type: single nucleotide variant.
Coding change: c.1097G>C on transcript NM_018292.5 (MANE Select); coding-DNA position 1097, G replaced by C.
Protein change: p.Arg366Pro; replaces arginine 366 with proline.
Molecular consequence: missense variant.
Genome position (GRCh38, 1-based): chr6:106,655,669, G>C. VCF-style: chr6-106655669-G-C. GRCh37 (hg19) VCF-style: chr6-107103544-G-C.
Other names: short protein forms R366P.
Identifiers: ClinVar variation 3067358 (VCV003067358.21), dbSNP rs72946534, ClinGen allele CA365155736.